The following is an entry in ClinVar:

NM_006031.6(PCNT):c.4834C>T (p.Leu1612=)

Gene: PCNT (pericentrin; plus strand). Cytogenetic location: 21q22.3.
Variant type: single nucleotide variant.
Coding change: c.4834C>T on transcript NM_006031.6 (MANE Select); coding-DNA position 4834, C replaced by T.
Protein change: p.Leu1612=; no amino-acid change (leucine 1612 retained).
Molecular consequence: synonymous variant.
Genome position (GRCh38, 1-based): chr21:46,401,593, C>T. VCF-style: chr21-46401593-C-T. GRCh37 (hg19) VCF-style: chr21-47821507-C-T.
Other names: c.4480C>T, p.Leu1494= (NM_001315529.2).
Identifiers: ClinVar variation 3354008 (VCV003354008.1).

ClinVar aggregate classification (germline): Likely benign (0 of 4 stars; one submission).

Conditions:
PCNT-related disorder. Also called: PCNT-related condition.

Submission:

PreventionGenetics, part of Exact Sciences
Classification: Likely benign for PCNT-related condition. Last evaluated: 2022-06-08. Review status: no assertion criteria provided. Collection method: clinical testing. Allele origin: germline.
Comment: This variant is classified as likely benign based on ACMG/AMP sequence variant interpretation guidelines (Richards et al. 2015 PMID: 25741868, with internal and published modifications).